The following is an entry in ClinVar:

ClinVar aggregate classification (germline): Uncertain significance. Review status: criteria provided, multiple submitters, no conflicts (2 of 4 stars). 2 submissions from 2 submitters: Uncertain significance (2). Last evaluated 2019-12-01.

Conditions:
Sandhoff disease. Also called: GM2-GANGLIOSIDOSIS, TYPE II; HEXOSAMINIDASES A AND B DEFICIENCY; Beta-hexosaminidase-beta-subunit deficiency; GM2 gangliosidosis, type 2; Total hexosaminidase deficiency; Sandhoff-Jatzkewitz-Pilz disease. Identifiers: Orphanet 796, MedGen C0036161, MONDO:0010006, OMIM 268800.

Submissions (2):

Labcorp Genetics (formerly Invitae), Labcorp
Classification: Uncertain significance for Sandhoff disease. Last evaluated: 2019-12-01. Review status: criteria provided, single submitter. Criteria: Invitae Variant Classification Sherloc (09022015). Collection method: clinical testing. Allele origin: germline.
Comment: In summary, the available evidence is currently insufficient to determine the role of this variant in disease. Therefore, it has been classified as a Variant of Uncertain Significance. Algorithms developed to predict the effect of missense changes on protein structure and function are either unavailable or do not agree on the potential impact of this missense change (SIFT: "Deleterious"; PolyPhen-2: "Benign"; Align-GVGD: "Class C0"). This variant has not been reported in the literature in individuals with HEXB-related conditions. This variant is not present in population databases (ExAC no frequency). This sequence change replaces leucine with proline at codon 546 of the HEXB protein (p.Leu546Pro). The leucine residue is highly conserved and there is a moderate physicochemical difference between leucine and proline.

GeneDx
Classification: Uncertain significance. Last evaluated: 2019-06-13. Review status: criteria provided, single submitter. Criteria: GeneDx Variant Classification Process June 2021. Collection method: clinical testing. Allele origin: germline. Affected: yes.
Comment: Not observed in large population cohorts (Lek et al., 2016); In silico analysis, which includes protein predictors and evolutionary conservation, supports a deleterious effect; Has not been previously published as pathogenic or benign to our knowledge

NM_000521.4(HEXB):c.1637T>C (p.Leu546Pro)

Genes: GFM2 (GTP dependent ribosome recycling factor mitochondrial 2; minus strand), HEXB (hexosaminidase subunit beta; plus strand). Cytogenetic location: 5q13.3.
Variant type: single nucleotide variant.
Coding change: c.1637T>C on transcript NM_000521.4 (MANE Select); coding-DNA position 1637, T replaced by C.
Protein change: p.Leu546Pro; replaces leucine 546 with proline.
Molecular consequence: missense variant.
Genome position (GRCh38, 1-based): chr5:74,721,141, T>C. VCF-style: chr5-74721141-T-C. GRCh37 (hg19) VCF-style: chr5-74016966-T-C.
Other names: c.962T>C, p.Leu321Pro (NM_001292004.2); short protein forms L321P, L546P.
Identifiers: ClinVar variation 845142 (VCV000845142.9), dbSNP rs1749847397, ClinGen allele CA360071925.
Genomic context (GRCh38, chr5:74,721,141, plus strand): 5'-AATCAATCTAAAATATCTTTATTCATGTTATCTACAGACGTGGAATAGCTGCACAACCTC[T>C]TTATGCTGGATATTGTAACCATGAGAACATGTAAAAAATGGAGGGGAAAAAGGCCACAGC-3'
Protein context (NP_000512.2, residues 536-556): MVERGIAAQP[Leu546Pro]YAGYCNHENM